The following is an entry in ClinVar:

NM_004793.4(LONP1):c.621C>T (p.Ile207=)

Gene: LONP1 (lon peptidase 1, mitochondrial; minus strand). Cytogenetic location: 19p13.3.
Variant type: single nucleotide variant.
Coding change: c.621C>T on transcript NM_004793.4 (MANE Select); coding-DNA position 621, C replaced by T.
Protein change: p.Ile207=; no amino-acid change (isoleucine 207 retained).
Molecular consequence: synonymous variant. On other transcripts: non-coding transcript variant (1).
Genome position (GRCh38, 1-based): chr19:5,713,151, G>A on the plus strand (C>T on the coding strand, the complement: LONP1 is on the minus strand). VCF-style: chr19-5713151-G-A. GRCh37 (hg19) VCF-style: chr19-5713162-G-A.
Other names: c.429C>T, p.Ile143= (NM_001276479.2); c.33C>T, p.Ile11= (NM_001276480.1).
Identifiers: ClinVar variation 3358310 (VCV003358310.3).

ClinVar aggregate classification (germline): Likely benign. Review status: criteria provided, single submitter (1 of 4 stars). 2 submissions from 2 submitters: Likely benign (1). 1 of the submissions does not count toward it. Last evaluated 2024-01-25.

Conditions:
LONP1-related disorder. Also called: LONP1-related condition; LONP1-related disorders.

gnomAD v4.1: 31 of 1,613,628 alleles (0.0019%); highest among the groups gnomAD compares: Non-Finnish European, 0.0024%; no homozygotes.

Submissions (2):

Labcorp Genetics (formerly Invitae), Labcorp
Classification: Likely benign. Last evaluated: 2024-01-25. Review status: criteria provided, single submitter. Criteria: Invitae Variant Classification Sherloc (09022015). Collection method: clinical testing. Allele origin: germline.

PreventionGenetics, part of Exact Sciences
Classification: Likely benign for LONP1-related condition. Last evaluated: 2024-04-02. Review status: no assertion criteria provided. Collection method: clinical testing. Allele origin: germline. Not counted in ClinVar's aggregate classification.
Comment: This variant is classified as likely benign based on ACMG/AMP sequence variant interpretation guidelines (Richards et al. 2015 PMID: 25741868, with internal and published modifications).